The following is an entry in ClinVar:

ClinVar aggregate classification (germline): Uncertain significance. Review status: criteria provided, multiple submitters, no conflicts (2 of 4 stars). 2 submissions from 2 submitters: Uncertain significance (2). Last evaluated 2024-02-17.

Allele frequency attached by ClinVar (database versions not stated): gnomAD exomes below 0.00001 and 0.00001.
gnomAD v4.1: 2 of 1,614,038 alleles (0.00012%); highest among the groups gnomAD compares: Admixed American, 0.0033%; no homozygotes.

Submissions (2):

Labcorp Genetics (formerly Invitae), Labcorp
Classification: Uncertain significance. Last evaluated: 2024-02-17. Review status: criteria provided, single submitter. Criteria: Invitae Variant Classification Sherloc (09022015). Collection method: clinical testing. Allele origin: germline.
Comment: This sequence change replaces tyrosine, which is neutral and polar, with histidine, which is basic and polar, at codon 220 of the OPN1SW protein (p.Tyr220His). This variant is present in population databases (no rsID available, gnomAD 0.006%). This variant has not been reported in the literature in individuals affected with OPN1SW-related conditions. ClinVar contains an entry for this variant (Variation ID: 1006644). An algorithm developed to predict the effect of missense changes on protein structure and function (PolyPhen-2) suggests that this variant is likely to be disruptive. In summary, the available evidence is currently insufficient to determine the role of this variant in disease. Therefore, it has been classified as a Variant of Uncertain Significance.

Blueprint Genetics
Classification: Uncertain significance. Last evaluated: 2022-02-24. Review status: criteria provided, single submitter. Criteria: ACMG Guidelines, 2015. Collection method: clinical testing. Allele origin: germline.

NM_001385125.1(OPN1SW):c.649T>C (p.Tyr217His)

Gene: OPN1SW (opsin 1, short wave sensitive; minus strand). Cytogenetic location: 7q32.1.
Variant type: single nucleotide variant.
Coding change: c.649T>C on transcript NM_001385125.1 (MANE Select); coding-DNA position 649, T replaced by C.
Protein change: p.Tyr217His; replaces tyrosine 217 with histidine.
Molecular consequence: missense variant.
Genome position (GRCh38, 1-based): chr7:128,774,527, A>G on the plus strand (T>C on the coding strand, the complement: OPN1SW is on the minus strand). VCF-style: chr7-128774527-A-G. GRCh37 (hg19) VCF-style: chr7-128414581-A-G.
Other names: short protein forms Y217H.
Identifiers: ClinVar variation 1006644 (VCV001006644.9), dbSNP rs1362069025, ClinGen allele CA369218367.